The following is an entry in ClinVar:

NM_002778.4(PSAP):c.358A>G (p.Ile120Val)

Gene: PSAP (prosaposin; minus strand). Cytogenetic location: 10q22.1.
Variant type: single nucleotide variant.
Coding change: c.358A>G on transcript NM_002778.4 (MANE Select); coding-DNA position 358, A replaced by G.
Protein change: p.Ile120Val; replaces isoleucine 120 with valine.
Molecular consequence: missense variant.
Genome position (GRCh38, 1-based): chr10:71,831,143, T>C on the plus strand (A>G on the coding strand, the complement: PSAP is on the minus strand). VCF-style: chr10-71831143-T-C. GRCh37 (hg19) VCF-style: chr10-73590900-T-C.
Other names: c.358A>G, p.Ile120Val (NM_001042465.3, NM_001042466.3); short protein forms I120V.
Identifiers: ClinVar variation 1507140 (VCV001507140.3), dbSNP rs142784765, ClinGen allele CA209468931.

ClinVar aggregate classification (germline): Uncertain significance (1 of 4 stars; one submission).

Conditions:
Sphingolipid activator protein 1 deficiency. Also called: METACHROMATIC LEUKODYSTROPHY DUE TO CEREBROSIDE SULFATASE ACTIVATOR DEFICIENCY; Saposin B Deficiency; Metachromatic leukodystrophy due to saposin B deficiency. Identifiers: Orphanet 512, MedGen C0268262, MONDO:0009590, OMIM 249900.

Allele frequency attached by ClinVar (database versions not stated): gnomAD 0.00001; gnomAD exomes 0.00001 and 0.00002; TOPMed 0.00001; ESP Exome Variant Server 0.00008.
gnomAD v4.1: 30 of 1,614,034 alleles (0.0019%); highest among the groups gnomAD compares: Admixed American, 0.005%; no homozygotes.

Submission:

Labcorp Genetics (formerly Invitae), Labcorp
Classification: Uncertain significance for Sphingolipid activator protein 1 deficiency. Last evaluated: 2022-09-06. Review status: criteria provided, single submitter. Criteria: Invitae Variant Classification Sherloc (09022015). Collection method: clinical testing. Allele origin: germline.
Comment: This sequence change replaces isoleucine, which is neutral and non-polar, with valine, which is neutral and non-polar, at codon 120 of the PSAP protein (p.Ile120Val). This variant is present in population databases (rs142784765, gnomAD 0.003%). This variant has not been reported in the literature in individuals affected with PSAP-related conditions. ClinVar contains an entry for this variant (Variation ID: 1507140). Algorithms developed to predict the effect of missense changes on protein structure and function are either unavailable or do not agree on the potential impact of this missense change (SIFT: "Not Available"; PolyPhen-2: "Benign"; Align-GVGD: "Not Available"). In summary, the available evidence is currently insufficient to determine the role of this variant in disease. Therefore, it has been classified as a Variant of Uncertain Significance.